The following is an entry in ClinVar:

NM_003482.4(KMT2D):c.9597C>T (p.Ser3199=)

Gene: KMT2D (lysine methyltransferase 2D; minus strand). Cytogenetic location: 12q13.12.
Variant type: single nucleotide variant.
Coding change: c.9597C>T on transcript NM_003482.4 (MANE Select); coding-DNA position 9597, C replaced by T.
Protein change: p.Ser3199=; no amino-acid change (serine 3199 retained).
Molecular consequence: synonymous variant.
Genome position (GRCh38, 1-based): chr12:49,037,759, G>A on the plus strand (C>T on the coding strand, the complement: KMT2D is on the minus strand). VCF-style: chr12-49037759-G-A. GRCh37 (hg19) VCF-style: chr12-49431542-G-A.
Other names: c.9597C>T (NM_003482.3).
Identifiers: ClinVar variation 1580157 (VCV001580157.9), dbSNP rs768862109, ClinGen allele CA6546668.

ClinVar aggregate classification (germline): Likely benign. Review status: criteria provided, multiple submitters, no conflicts (2 of 4 stars). 2 submissions from 2 submitters: Likely benign (2). Last evaluated 2026-09-04.

Conditions:
Kabuki syndrome. Also called: Kabuki make-up syndrome; NIIKAWA-KUROKI SYNDROME. Identifiers: Orphanet 2322, MedGen C0796004, MONDO:0016512.
KMT2D-related disorder. Also called: KMT2D-Related Disorders.

Allele frequency attached by ClinVar (database versions not stated): gnomAD 0.00001; gnomAD exomes 0.00001 and 0.00002; TOPMed 0.00003.
gnomAD v4.1: 9 of 1,591,852 alleles (0.00057%); highest among the groups gnomAD compares: Admixed American, 0.014%; no homozygotes.

Submissions (2):

PreventionGenetics, part of Exact Sciences
Classification: Likely benign for KMT2D-related condition. Last evaluated: 2026-09-04. Review status: criteria provided, single submitter. Criteria: ACMG Guidelines, 2015. Collection method: clinical testing. Allele origin: germline.
Comment: This variant is classified as likely benign based on ACMG/AMP sequence variant interpretation guidelines (Richards et al. 2015 PMID: 25741868, with internal and published modifications).

Labcorp Genetics (formerly Invitae), Labcorp
Classification: Likely benign for Kabuki syndrome. Last evaluated: 2025-03-27. Review status: criteria provided, single submitter. Criteria: Invitae Variant Classification Sherloc (09022015). Collection method: clinical testing. Allele origin: germline.